The following is an entry in ClinVar:

NM_181882.3(PRX):c.2176G>A (p.Glu726Lys)

Gene: PRX (periaxin; minus strand). Cytogenetic location: 19q13.2.
Variant type: single nucleotide variant.
Coding change: c.2176G>A on transcript NM_181882.3 (MANE Select); coding-DNA position 2176, G replaced by A.
Protein change: p.Glu726Lys; replaces glutamic acid 726 with lysine.
Molecular consequence: missense variant. On other transcripts: 3 prime UTR variant (1).
Genome position (GRCh38, 1-based): chr19:40,396,176, C>T on the plus strand (G>A on the coding strand, the complement: PRX is on the minus strand). VCF-style: chr19-40396176-C-T. GRCh37 (hg19) VCF-style: chr19-40902083-C-T.
Other names: c.2461G>A, p.Glu821Lys (NM_001411127.1); c.*2381G>A (NM_020956.2); short protein forms E726K, E821K.
Identifiers: ClinVar variation 2116793 (VCV002116793.4), dbSNP rs2514804243, ClinGen allele CA405896838.
Genomic context (GRCh38, chr19:40,396,176, plus strand): 5'-GCACCTCGGGGAGGTGCACATCGGGCACAGCCATCTCAGGCACCTTGGGGAGTTTTATCT[C>T]TGGGAGCTTCATGTCAGGGACTTTCATTTCACAGACTTTGGGCAGCTGCACCTCTGGGAG-3'
Protein context (NP_870998.2, residues 716-736): EMKVPDMKLP[Glu726Lys]IKLPKVPEMA

ClinVar aggregate classification (germline): Uncertain significance (1 of 4 stars; one submission).

Conditions:
Charcot-Marie-Tooth disease type 4. Also called: Charcot-Marie-Tooth disease, type IV; Charcot-Marie-Tooth, Type 4. Identifiers: Orphanet 64749, MedGen C4082197, MONDO:0018995.

Submission:

Labcorp Genetics (formerly Invitae), Labcorp
Classification: Uncertain significance for Charcot-Marie-Tooth disease type 4. Last evaluated: 2022-03-25. Review status: criteria provided, single submitter. Criteria: Invitae Variant Classification Sherloc (09022015). Collection method: clinical testing. Allele origin: germline.
Comment: In summary, the available evidence is currently insufficient to determine the role of this variant in disease. Therefore, it has been classified as a Variant of Uncertain Significance. Algorithms developed to predict the effect of missense changes on protein structure and function are either unavailable or do not agree on the potential impact of this missense change (SIFT: "Tolerated"; PolyPhen-2: "Possibly Damaging"; Align-GVGD: "Class C0"). This variant has not been reported in the literature in individuals affected with PRX-related conditions. This variant is not present in population databases (gnomAD no frequency). This sequence change replaces glutamic acid, which is acidic and polar, with lysine, which is basic and polar, at codon 726 of the PRX protein (p.Glu726Lys).